The following is an entry in ClinVar:

NM_001852.4(COL9A2):c.417+6C>T

Gene: COL9A2 (collagen type IX alpha 2 chain; minus strand). Cytogenetic location: 1p34.2.
Variant type: single nucleotide variant.
Coding change: c.417+6C>T on transcript NM_001852.4 (MANE Select); 6 bases into the intron after coding-DNA position 417, C replaced by T.
Molecular consequence: intron variant.
Genome position (GRCh38, 1-based): chr1:40,312,053, G>A on the plus strand (C>T on the coding strand, the complement: COL9A2 is on the minus strand). VCF-style: chr1-40312053-G-A. GRCh37 (hg19) VCF-style: chr1-40777725-G-A.
Identifiers: ClinVar variation 4724313 (VCV004724313.1).

ClinVar aggregate classification (germline): Uncertain significance (1 of 4 stars; one submission).

Submission:

Labcorp Genetics (formerly Invitae), Labcorp
Classification: Uncertain significance. Last evaluated: 2025-08-03. Review status: criteria provided, single submitter. Criteria: Invitae Variant Classification Sherloc (09022015). Collection method: clinical testing. Allele origin: germline.
Comment: This sequence change falls in intron 8 of the COL9A2 gene. It does not directly change the encoded amino acid sequence of the COL9A2 protein. It affects a nucleotide within the consensus splice site. This variant is not present in population databases (gnomAD no frequency). This variant has not been reported in the literature in individuals affected with COL9A2-related conditions. Variants that disrupt the consensus splice site are a relatively common cause of aberrant splicing (PMID: 17576681, 9536098). Algorithms developed to predict the effect of sequence changes on RNA splicing suggest that this variant is not likely to affect RNA splicing. In summary, the available evidence is currently insufficient to determine the role of this variant in disease. Therefore, it has been classified as a Variant of Uncertain Significance.

Literature cited by the submitters: PubMed 17576681; PubMed 9536098.